The following is an entry in ClinVar:

ClinVar aggregate classification (germline): Uncertain significance (1 of 4 stars; one submission).

Submission:

Labcorp Genetics (formerly Invitae), Labcorp
Classification: Uncertain significance. Last evaluated: 2020-12-20. Review status: criteria provided, single submitter. Criteria: Invitae Variant Classification Sherloc (09022015). Collection method: clinical testing. Allele origin: germline.
Comment: Experimental studies and prediction algorithms are not available or were not evaluated, and the functional significance of this variant is currently unknown. This variant has not been reported in the literature in individuals with KIF2A-related conditions. This variant is not present in population databases (ExAC no frequency). This variant, c.1675_1689del, results in the deletion of 5 amino acid(s) of the KIF2A protein (p.Asp559_Ser563del), but otherwise preserves the integrity of the reading frame. In summary, the available evidence is currently insufficient to determine the role of this variant in disease. Therefore, it has been classified as a Variant of Uncertain Significance.

NM_001098511.3(KIF2A):c.1675_1689del (p.Asp559_Ser563del)

Gene: KIF2A (kinesin family member 2A; plus strand). Cytogenetic location: 5q12.1.
Variant type: Deletion.
Coding change: c.1675_1689del on transcript NM_001098511.3 (MANE Select); coding-DNA positions 1675 to 1689, 15 bases deleted (GACATTCCCTTCTCA).
Protein change: p.Asp559_Ser563del.
Molecular consequence: inframe deletion. On other transcripts: intron variant (3).
Genome position (GRCh38, 1-based): chr5:62,372,466-62,372,480, GACATTCCCTTCTCA deleted; deleting any 15 consecutive bases within chr5:62,372,463-62,372,480 gives the same sequence; the c. name uses the placement nearest the transcript's 3' end. VCF-style (leftmost placement, unchanged base first): chr5-62372462-ATCAGACATTCCCTTC-A. GRCh37 (hg19) VCF-style: chr5-61668289-ATCAGACATTCCCTTC-A.
Other names: c.1566-1221_1566-1207del (NM_001243952.2); c.1647-1221_1647-1207del (NM_004520.5); c.1590-1221_1590-1207del (NM_001243953.2).
Identifiers: ClinVar variation 1398594 (VCV001398594.8), dbSNP rs2111982961, ClinGen allele CA2573139779.